The following is an entry in ClinVar:

NM_006767.4(LZTR1):c.271A>G (p.Met91Val)

Gene: LZTR1 (leucine zipper like post translational regulator 1; plus strand). Cytogenetic location: 22q11.21.
Variant type: single nucleotide variant.
Coding change: c.271A>G on transcript NM_006767.4 (MANE Select); coding-DNA position 271, A replaced by G.
Protein change: p.Met91Val; replaces methionine 91 with valine.
Molecular consequence: missense variant.
Genome position (GRCh38, 1-based): chr22:20,985,848, A>G. VCF-style: chr22-20985848-A-G. GRCh37 (hg19) VCF-style: chr22-21340137-A-G.
Other names: short protein forms M91V.
Identifiers: ClinVar variation 431371 (VCV000431371.8), dbSNP rs1135401945, ClinGen allele CA410778792.
Genomic context (GRCh38, chr22:20,985,848, plus strand): 5'-TCACTGCAGAGTAGACCTGGCTAATGCCACCCTCTCTTCCGGCTGCCTTTCAGGAAGACC[A>G]TGCTCAATGACCTCCTGCGGTTCGATGTGAAAGACTGCTCCTGGTGCAGGTGGGTGGCCC-3'
Protein context (NP_006758.2, residues 81-101): YVFGGDNGKT[Met91Val]LNDLLRFDVK

ClinVar aggregate classification (germline): Conflicting classifications of pathogenicity. Review status: criteria provided, conflicting classifications (1 of 4 stars). 4 submissions from 3 submitters: Likely pathogenic (1); Uncertain significance (3). Last evaluated 2026-04-17.

Conditions:
LZTR1-related disorder. Also called: LZTR1-related disorders; LZTR1-related condition.
Noonan syndrome 10 (NS10). Identifiers: Orphanet 648, MedGen C4225280, MONDO:0014693, OMIM 616564.
RASopathy. Also called: Noonan spectrum disorder; rasopathies. Identifiers: Orphanet 536391, MedGen C5555857, MONDO:0021060.

Submissions (4):

PreventionGenetics, part of Exact Sciences
Classification: Likely pathogenic for LZTR1-related condition. Last evaluated: 2026-04-17. Review status: criteria provided, single submitter. Criteria: ACMG Guidelines, 2015. Collection method: clinical testing. Allele origin: germline.
Comment: The LZTR1 c.271A>G variant is predicted to result in the amino acid substitution p.Met91Val. This variant has been reported as de novo in an individual with Noonan syndrome and in the heterozygous state in an individual with hypertrophic cardiomyopathy (Table S1, Uludağ Alkaya. 2021. PubMed ID: 34184824; Table S11, Josephs et al. 2024. PMID: 39472908). This variant has not been reported in a large population database (gnomAD), indicating this variant is rare. Functional studies reveal that this variant affects LZTR1 function, but does not affect LZTR1 protein levels or stability (Motta. 2018. PubMed ID: 30481304). This variant is interpreted as likely pathogenic for autosomal dominant disease.

Labcorp Genetics (formerly Invitae), Labcorp
Classification: Uncertain significance. Last evaluated: 2025-12-15. Review status: criteria provided, single submitter. Criteria: Invitae Variant Classification Sherloc (09022015). Collection method: clinical testing. Allele origin: germline.
Comment: This sequence change replaces methionine, which is neutral and non-polar, with valine, which is neutral and non-polar, at codon 91 of the LZTR1 protein (p.Met91Val). This variant is not present in population databases (gnomAD no frequency). This missense change has been observed in individual(s) with autosomal dominant Noonan syndrome and/or cardiomyopathy (PMID: 34184824, 39472908). ClinVar contains an entry for this variant (Variation ID: 431371). Invitae Evidence Modeling of protein sequence and biophysical properties (such as structural, functional, and spatial information, amino acid conservation, physicochemical variation, residue mobility, and thermodynamic stability) indicates that this missense variant is not expected to disrupt LZTR1 protein function with a negative predictive value of 80%. Experimental studies have shown that this missense change affects LZTR1 function (PMID: 30481304). In summary, the available evidence is currently insufficient to determine the role of this variant in disease. Therefore, it has been classified as a Variant of Uncertain Significance.

MVZ Martinsried, Medicover Genetics
Classification: Uncertain significance for Noonan syndrome 10. Last evaluated: 2017-01-25. Review status: criteria provided, single submitter. Criteria: ACMG Guidelines, 2015. Collection method: clinical testing. Allele origin: unknown. Affected: yes.

MVZ Martinsried, Medicover Genetics
Classification: Uncertain significance for RASopathy. Last evaluated: 2017-01-25. Review status: criteria provided, single submitter. Criteria: ACMG Guidelines, 2015. Collection method: clinical testing. Allele origin: unknown.

Literature cited by the submitters: PubMed 34184824 (cited by Labcorp Genetics (formerly Invitae), Labcorp); PubMed 39472908 (cited by Labcorp Genetics (formerly Invitae), Labcorp); PubMed 30481304 (cited by Labcorp Genetics (formerly Invitae), Labcorp).